The following is an entry in ClinVar:

ClinVar aggregate classification (germline): Uncertain significance (1 of 4 stars; one submission).

Conditions:
TNF receptor-associated periodic fever syndrome (TRAPS) (FPF). Also called: TNF RECEPTOR-ASSOCIATED PERIODIC SYNDROME; TUMOR NECROSIS FACTOR RECEPTOR-ASSOCIATED PERIODIC SYNDROME; TNF Receptor-Associated Periodic Fever Syndrome; Autosomal Dominant Familial Periodic Fever; FAMILIAL HIBERNIAN FEVER; TNF receptor 1-associated periodic fever syndrome. Identifiers: Orphanet 32960, MedGen C1275126, MONDO:0007727, OMIM 142680.

Submission:

Labcorp Genetics (formerly Invitae), Labcorp
Classification: Uncertain significance for TNF receptor-associated periodic fever syndrome (TRAPS). Last evaluated: 2022-09-26. Review status: criteria provided, single submitter. Criteria: Invitae Variant Classification Sherloc (09022015). Collection method: clinical testing. Allele origin: germline.
Comment: This variant is not present in population databases (gnomAD no frequency). This variant has not been reported in the literature in individuals affected with TNFRSF1A-related conditions. Algorithms developed to predict the effect of missense changes on protein structure and function output the following: SIFT: "Tolerated"; PolyPhen-2: "Benign"; Align-GVGD: "Class C0". The alanine amino acid residue is found in multiple mammalian species, which suggests that this missense change does not adversely affect protein function. In summary, the available evidence is currently insufficient to determine the role of this variant in disease. Therefore, it has been classified as a Variant of Uncertain Significance. This sequence change replaces proline, which is neutral and non-polar, with alanine, which is neutral and non-polar, at codon 337 of the TNFRSF1A protein (p.Pro337Ala).

NM_001065.4(TNFRSF1A):c.1009C>G (p.Pro337Ala)

Gene: TNFRSF1A (TNF receptor superfamily member 1A; minus strand). Cytogenetic location: 12p13.31.
Variant type: single nucleotide variant.
Coding change: c.1009C>G on transcript NM_001065.4 (MANE Select); coding-DNA position 1009, C replaced by G.
Protein change: p.Pro337Ala; replaces proline 337 with alanine.
Molecular consequence: missense variant. On other transcripts: non-coding transcript variant (1).
Genome position (GRCh38, 1-based): chr12:6,329,826, G>C on the plus strand (C>G on the coding strand, the complement: TNFRSF1A is on the minus strand). VCF-style: chr12-6329826-G-C. GRCh37 (hg19) VCF-style: chr12-6438992-G-C.
Other names: c.685C>G, p.Pro229Ala (NM_001346091.2); c.550C>G, p.Pro184Ala (NM_001346092.2); short protein forms P184A, P229A, P337A.
Identifiers: ClinVar variation 1720413 (VCV001720413.5), dbSNP rs2136814221, ClinGen allele CA383545675.